The following is an entry in ClinVar:

NM_032119.4(ADGRV1):c.9754A>G (p.Met3252Val)

Gene: ADGRV1 (adhesion G protein-coupled receptor V1; plus strand). Cytogenetic location: 5q14.3.
Variant type: single nucleotide variant.
Coding change: c.9754A>G on transcript NM_032119.4 (MANE Select); coding-DNA position 9754, A replaced by G.
Protein change: p.Met3252Val; replaces methionine 3252 with valine.
Molecular consequence: missense variant. On other transcripts: non-coding transcript variant (1).
Genome position (GRCh38, 1-based): chr5:90,724,837, A>G. VCF-style: chr5-90724837-A-G. GRCh37 (hg19) VCF-style: chr5-90020654-A-G.
Other names: short protein forms M3252V.
Identifiers: ClinVar variation 2505659 (VCV002505659.1), dbSNP rs1751551098, ClinGen allele CA360402454.
Genomic context (GRCh38, chr5:90,724,837, plus strand): 5'-TAGATAAGTTTTTGAAGGAGTAATAAACTAGTAAACCATGATTTGTGTTTTTCAGGGGGA[A>G]TGGATGTTGTGTTTTCCGTATTTCAAAGTTTTTTGGATGAATCAGCTTCTGGCTGGTGTT-3'
Protein context (NP_115495.3, residues 3242-3262): VSETAFGMRG[Met3252Val]DVVFSVFQSF

ClinVar aggregate classification (germline): Uncertain significance (1 of 4 stars; one submission).

Submission:

GeneDx
Classification: Uncertain significance. Last evaluated: 2022-12-15. Review status: criteria provided, single submitter. Criteria: GeneDx Variant Classification Process June 2021. Collection method: clinical testing. Allele origin: germline. Affected: yes.
Comment: Not observed at significant frequency in large population cohorts (gnomAD); In silico analysis supports that this missense variant does not alter protein structure/function; Has not been previously published as pathogenic or benign to our knowledge